The following is an entry in ClinVar:

ClinVar aggregate classification (germline): Uncertain significance (1 of 4 stars; one submission).

Conditions:
Brugada syndrome. Also called: Sudden unexpected nocturnal death syndrome; Sudden unexplained nocturnal death syndrome; Sudden Unexplained Death Syndrome; Sudden Unexplained Nocturnal Death Syndrome (SUNDS). Identifiers: Orphanet 130, MedGen C1142166, MONDO:0015263.

Submission:

Labcorp Genetics (formerly Invitae), Labcorp
Classification: Uncertain significance for Brugada syndrome. Last evaluated: 2025-12-22. Review status: criteria provided, single submitter. Criteria: Invitae Variant Classification Sherloc (09022015). Collection method: clinical testing. Allele origin: germline.
Comment: This sequence change replaces phenylalanine, which is neutral and non-polar, with cysteine, which is neutral and slightly polar, at codon 1514 of the SCN10A protein (p.Phe1514Cys). This variant is not present in population databases (gnomAD no frequency). This variant has not been reported in the literature in individuals affected with SCN10A-related conditions. Invitae Evidence Modeling of protein sequence and biophysical properties (such as structural, functional, and spatial information, amino acid conservation, physicochemical variation, residue mobility, and thermodynamic stability) indicates that this missense variant is not expected to disrupt SCN10A protein function with a negative predictive value of 80%. In summary, the available evidence is currently insufficient to determine the role of this variant in disease. Therefore, it has been classified as a Variant of Uncertain Significance.

NM_006514.4(SCN10A):c.4541T>G (p.Phe1514Cys)

Gene: SCN10A (sodium voltage-gated channel alpha subunit 10; minus strand). Cytogenetic location: 3p22.2.
Variant type: single nucleotide variant.
Coding change: c.4541T>G on transcript NM_006514.4 (MANE Select); coding-DNA position 4541, T replaced by G.
Protein change: p.Phe1514Cys; replaces phenylalanine 1514 with cysteine.
Molecular consequence: missense variant.
Genome position (GRCh38, 1-based): chr3:38,701,955, A>C on the plus strand (T>G on the coding strand, the complement: SCN10A is on the minus strand). VCF-style: chr3-38701955-A-C. GRCh37 (hg19) VCF-style: chr3-38743446-A-C.
Other names: c.4538T>G, p.Phe1513Cys (NM_001293306.2); c.4247T>G, p.Phe1416Cys (NM_001293307.2); short protein forms F1416C, F1514C, F1513C.
Identifiers: ClinVar variation 4742160 (VCV004742160.1).